The following is an entry in ClinVar:

NM_001128922.2(LRRC32):c.144G>A (p.Pro48=)

Genes: LRRC32 (leucine rich repeat containing 32; minus strand), LRRC32-AS1 (LRRC32 antisense RNA 1; plus strand). Cytogenetic location: 11q13.5.
Variant type: single nucleotide variant.
Coding change: c.144G>A on transcript NM_001128922.2 (MANE Select); coding-DNA position 144, G replaced by A.
Protein change: p.Pro48=; no amino-acid change (proline 48 retained).
Molecular consequence: synonymous variant. On other transcripts: 5 prime UTR variant (1), non-coding transcript variant (1), intron variant (1).
Genome position (GRCh38, 1-based): chr11:76,661,449, C>T on the plus strand (G>A on the coding strand, the complement: LRRC32 is on the minus strand). VCF-style: chr11-76661449-C-T. GRCh37 (hg19) VCF-style: chr11-76372493-C-T.
Other names: c.144G>A, p.Pro48= (NM_001370187.1, NM_001370188.1, NM_005512.3); c.78G>A, p.Pro26= (NM_001370189.1); c.-187G>A (NM_001370190.1); c.85-3415G>A (NM_001370191.1).
Identifiers: ClinVar variation 2642173 (VCV002642173.24), dbSNP rs771572974, ClinGen allele CA6194918.
Genomic context (GRCh38, chr11:76,661,449, plus strand): 5'-GGGTGAGGCCAGGATACTCCGCAGCTGGTTCCCAGATAGATCAAGGGTCTCAGTGTCTGG[C>T]GGGAGCACCGAGGGGACCTGGAGCAGGCCCAGAACCTGGCACGAGACCTTCTTGTCCACC-3'
Protein context (NP_001122394.1, residues 38-58): LGLLQVPSVL[Pro48=]PDTETLDLSG

ClinVar aggregate classification (germline): Likely benign (1 of 4 stars; one submission).

Allele frequency attached by ClinVar (database versions not stated): TOPMed 0.00010; 1000 Genomes Project 30x 0.00016; gnomAD 0.00016; ExAC 0.00026.

Submission:

CeGaT Center for Human Genetics Tuebingen
Classification: Likely benign. Last evaluated: 2023-04-01. Review status: criteria provided, single submitter. Criteria: CeGaT Center For Human Genetics Tuebingen Variant Classification Criteria Version 2. Collection method: clinical testing. Allele origin: germline. Affected: yes. Observed: 2 variant alleles.
Comment: LRRC32: BP4, BP7